The following is an entry in ClinVar:

ClinVar aggregate classification (germline): Pathogenic. Review status: reviewed by expert panel (3 of 4 stars). 2 submissions from 2 submitters: Pathogenic (1). 1 of the submissions does not count toward it. Last evaluated 2024-12-05.

Conditions:
Mucopolysaccharidosis type 1. Also called: IDUA deficiency; MPS I; Mucopolysaccharidosis Type I. Identifiers: Orphanet 579, MedGen C0023786, MONDO:0001586.

Submissions (2):

ClinGen Lysosomal Storage Disorder Variant Curation Expert Panel
Classification: Pathogenic for Mucopolysaccharidosis type 1. Last evaluated: 2024-12-05. Review status: reviewed by expert panel. Criteria: ClinGen LSD ACMG Specifications IDUA V1.0.0. Collection method: curation. Allele origin: germline. Inheritance: Autosomal recessive inheritance.
Comment: The NM_000203.5:c.540_544del (p.Trp180Ter) variant is a frameshift variant predicted to cause a premature stop codon in biologically-relevant-exon 5/14, leading to nonsense mediated decay in a gene in which loss-of-function is an established disease mechanism (PVS1). Two patients from the UK with a severe/Hurler phenotype have been reported with this variant. The individuals in the study have "a biochemical diagnosis of MPS I" (PMID: 28752568) (Insufficient data to apply PP4) .One of these patients has been reported who is compound heterozygous, phase unconfirmed, for c.540_544delGAATG and a variant in IDUA that has been classified as pathogenic by the ClinGen Lysosomal Diseases VCEP, c.208C>T (p.Gln70Ter) (ClinVar Variation ID: 11909, 0.5 points, PMID: 28752568). The allelic data from the second patient will be used in the classification of c.386-2A>G and is not included here to avoid circular logic ( PMID: 28752568) (PM3_Supporting). The highest population minor allele frequency in gnomAD v4.1.0 is 0.000005085 (6/1179966 alleles) in the European non-Finnish population, which is lower than the ClinGen Lysosomal Diseases VCEP’s threshold for PM2_Supporting (<0.00025), meeting this criterion (PM2_Supporting). Note that another variant, NM_000203.5(IDUA):c.540G>A, resulting in the same change, p.Trp180Ter, has been reported (ClinVar Variation ID: 1321357). In summary, this variant meets the criteria to be classified as pathogenic for mucopolysaccharidosis type 1. IDUA-specific ACMG/AMP criteria applied, as specified by the ClinGen Lysosomal Diseases VCEP (Specifications Version 1.0.0.): PVS1, PM2_Supporting, PM3_Supporting. (Classification approved by the ClinGen Lysosomal Diseases Variant Curation Expert Panel on December 5, 2024)

Myriad Genetics, Inc.
Classification: Pathogenic for Mucopolysaccharidosis type 1. Last evaluated: 2026-02-26. Review status: criteria provided, single submitter. Criteria: Myriad Autosomal Dominant, Autosomal Recessive and X-Linked Classification Criteria (2023). Collection method: clinical testing. Allele origin: unknown. Not counted in ClinVar's aggregate classification.
Comment: NM_000203.3(IDUA):c.540_544del5(W180*) is a nonsense variant classified as pathogenic in the context of mucopolysaccharidosis type I. W180* has been observed in cases with relevant disease (PMID: 11735025, 28752568). Relevant functional assessments of this variant are not available in the literature. W180* has not been observed in referenced population frequency databases. In summary, NM_000203.3(IDUA):c.540_544del5(W180*) is a nonsense variant in a gene where loss of function is a known mechanism of disease, is predicted to disrupt protein function, and has been observed more frequently in cases with the relevant disease than in healthy populations. Please note: this variant was assessed in the context of healthy population screening.

Literature cited by the submitters: PubMed 11735025 (cited by Myriad Genetics, Inc.); PubMed 28752568 (cited by Myriad Genetics, Inc.).

NM_000203.5(IDUA):c.540_544del (p.Trp180_Glu182delinsTer)

Gene: IDUA (alpha-L-iduronidase; plus strand). Cytogenetic location: 4p16.3.
Variant type: Deletion.
Coding change: c.540_544del on transcript NM_000203.5 (MANE Select); coding-DNA positions 540 to 544, 5 bases deleted (GAATG; older notation c.540_544delGAATG).
Protein change: p.Trp180_Glu182delinsTer.
Molecular consequence: nonsense. On other transcripts: non-coding transcript variant (1).
Genome position (GRCh38, 1-based): chr4:1,001,514-1,001,518, GAATG deleted; deleting any 5 consecutive bases within chr4:1,001,512-1,001,518 gives the same sequence; the c. name uses the placement nearest the transcript's 3' end. VCF-style (leftmost placement, unchanged base first): chr4-1001511-GTGGAA-G. GRCh37 (hg19) VCF-style: chr4-995299-GTGGAA-G.
Other names: NM_001363576.1:c.144_148del; c.144_148del, p.Trp48_Glu50delinsTer (NM_001363576.1).
Identifiers: ClinVar variation 3775043 (VCV003775043.2).